The following is an entry in ClinVar:

ClinVar aggregate classification (germline): Benign. Review status: criteria provided, multiple submitters, no conflicts (2 of 4 stars). 3 submissions from 3 submitters: Benign (3). Last evaluated 2026-02-04.

Conditions:
Donnai-Barrow syndrome. Also called: DBS/FOAR SYNDROME; FACIOOCULOACOUSTICORENAL SYNDROME. Identifiers: Orphanet 2143, MedGen C1857277, MONDO:0009104, OMIM 222448.

Allele frequency attached by ClinVar (database versions not stated): ESP Exome Variant Server 0.00023; TOPMed 0.00365; 1000 Genomes Project 30x 0.00671; 1000 Genomes Project 0.00759.
gnomAD v4.1: 2,236 of 1,614,118 alleles (0.14%); highest among the groups gnomAD compares: East Asian, 3.8%; 26 homozygotes.

Submissions (3):

Labcorp Genetics (formerly Invitae), Labcorp
Classification: Benign. Last evaluated: 2026-02-04. Review status: criteria provided, single submitter. Criteria: Invitae Variant Classification Sherloc (09022015). Collection method: clinical testing. Allele origin: germline.

Genome-Nilou Lab
Classification: Benign for Donnai-Barrow syndrome. Last evaluated: 2021-07-15. Review status: criteria provided, single submitter. Criteria: ACMG Guidelines, 2015. Collection method: clinical testing. Allele origin: germline. Affected: no.

Illumina Laboratory Services, Illumina
Classification: Benign for Donnai-Barrow syndrome. Last evaluated: 2018-01-12. Review status: criteria provided, single submitter. Criteria: ICSL Variant Classification Criteria 13 December 2019. Collection method: clinical testing. Allele origin: germline.
Comment: This variant was observed in the ICSL laboratory as part of a predisposition screen in an ostensibly healthy population. It had not been previously curated by ICSL or reported in the Human Gene Mutation Database (HGMD: prior to June 1st, 2018), and was therefore a candidate for classification through an automated scoring system. Utilizing variant allele frequency, disease prevalence and penetrance estimates, and inheritance mode, an automated score was calculated to assess if this variant is too frequent to cause the disease. Based on the score and internal cut-off values, a variant classified as benign is not then subjected to further curation. The score for this variant resulted in a classification of benign for this disease.

NM_004525.3(LRP2):c.2934G>A (p.Thr978=)

Gene: LRP2 (LDL receptor related protein 2; minus strand). Cytogenetic location: 2q31.1.
Variant type: single nucleotide variant.
Coding change: c.2934G>A on transcript NM_004525.3 (MANE Select); coding-DNA position 2934, G replaced by A.
Protein change: p.Thr978=; no amino-acid change (threonine 978 retained).
Molecular consequence: synonymous variant.
Genome position (GRCh38, 1-based): chr2:169,246,961, C>T on the plus strand (G>A on the coding strand, the complement: LRP2 is on the minus strand). VCF-style: chr2-169246961-C-T. GRCh37 (hg19) VCF-style: chr2-170103471-C-T.
Identifiers: ClinVar variation 332183 (VCV000332183.17), dbSNP rs17848143, ClinGen allele CA1955153.